The following is an entry in ClinVar:

NM_001365902.3(NFIX):c.1169_1174dup (p.Tyr391_His392insArgTyr)

Gene: NFIX (nuclear factor I X; plus strand). Cytogenetic location: 19p13.13.
Variant type: Duplication.
Coding change: c.1169_1174dup on transcript NM_001365902.3 (MANE Select); coding-DNA positions 1169 to 1174, 6 bases duplicated (GCTACC; older notation c.1169_1174dupGCTACC).
Protein change: p.Tyr391_His392insArgTyr.
Molecular consequence: inframe insertion.
Genome position (GRCh38, 1-based): chr19:13,081,770-13,081,775, GCTACC duplicated; duplicating any 6 consecutive bases within chr19:13,081,768-13,081,775 gives the same sequence; the c. name uses the placement nearest the transcript's 3' end. VCF-style (leftmost placement, unchanged base first): chr19-13081767-T-TCCGCTA. GRCh37 (hg19) VCF-style: chr19-13192581-T-TCCGCTA.
Other names: c.1193_1198dup, p.Tyr399_His400insArgTyr (NM_001271043.2); c.1145_1150dup, p.Tyr383_His384insArgTyr (NM_001271044.3, NM_001378404.1); c.1046_1051dup, p.Tyr350_His351insArgTyr (NM_001365982.2); c.1028_1033dup, p.Tyr344_His345insArgTyr (NM_001365983.2); c.1166_1171dup, p.Tyr390_His391insArgTyr (NM_001365984.2, NM_001365985.2); c.1217_1222dup, p.Tyr407_His408insArgTyr (NM_001378405.1); c.1169_1174dup, p.Tyr391_His392insArgTyr (NM_002501.4).
Identifiers: ClinVar variation 1707916 (VCV001707916.2), dbSNP rs2512978397, ClinGen allele CA2580096566.

ClinVar aggregate classification (germline): Uncertain significance (1 of 4 stars; one submission).

Submission:

GeneDx
Classification: Uncertain significance. Last evaluated: 2022-03-31. Review status: criteria provided, single submitter. Criteria: GeneDx Variant Classification Process June 2021. Collection method: clinical testing. Allele origin: germline. Affected: yes.
Comment: Not observed at significant frequency in large population cohorts (gnomAD); In-frame insertion of 2 amino acids in a non-repeat region; Has not been previously published as pathogenic or benign to our knowledge